The following is an entry in ClinVar:

NM_024675.4(PALB2):c.2336C>T (p.Ser779Leu)

Gene: PALB2 (partner and localizer of BRCA2; minus strand). Cytogenetic location: 16p12.2.
Variant type: single nucleotide variant.
Coding change: c.2336C>T on transcript NM_024675.4 (MANE Select); coding-DNA position 2336, C replaced by T.
Protein change: p.Ser779Leu; replaces serine 779 with leucine.
Molecular consequence: missense variant.
Genome position (GRCh38, 1-based): chr16:23,629,818, G>A on the plus strand (C>T on the coding strand, the complement: PALB2 is on the minus strand). VCF-style: chr16-23629818-G-A. GRCh37 (hg19) VCF-style: chr16-23641139-G-A.
Other names: short protein forms S779L.
Identifiers: ClinVar variation 628628 (VCV000628628.17), dbSNP rs764509489, ClinGen allele CA395124994.

ClinVar aggregate classification (germline): Conflicting classifications of pathogenicity. Review status: criteria provided, conflicting classifications (1 of 4 stars). 4 submissions from 4 submitters: Uncertain significance (3); Likely benign (1). Last evaluated 2025-07-31.

Conditions:
Hereditary cancer-predisposing syndrome. Also called: Tumor predisposition; Neoplastic Syndromes, Hereditary; Hereditary Cancer Syndrome; Hereditary neoplastic syndrome. Identifiers: Orphanet 140162, MedGen C0027672, MeSH D009386, MONDO:0015356.
Familial cancer of breast. Also called: BREAST CANCER, FAMILIAL; Hereditary breast cancer; hereditary breast carcinoma. Identifiers: Orphanet 227535, MedGen C0346153, MONDO:0016419, OMIM 114480. Disease mechanism: loss of function.
Fanconi anemia complementation group N. Also called: PALB2-Related Fanconi Anemia. Identifiers: Orphanet 84, MedGen C1835817, MONDO:0012565, OMIM 610832. Disease mechanism: loss of function.
Pancreatic cancer, susceptibility to, 3. Identifiers: Orphanet 1333, MedGen C3150547, MONDO:0013236, OMIM 613348.

Allele frequency attached by ClinVar (database versions not stated): TOPMed 0.00001; gnomAD 0.00003.
gnomAD v4.1: 7 of 1,614,062 alleles (0.00043%); highest among the groups gnomAD compares: African/African-American, 0.0053%; no homozygotes.

Submissions (4):

Labcorp Genetics (formerly Invitae), Labcorp
Classification: Uncertain significance for Familial cancer of breast. Last evaluated: 2025-07-31. Review status: criteria provided, single submitter. Criteria: Invitae Variant Classification Sherloc (09022015). Collection method: clinical testing. Allele origin: germline.
Comment: This sequence change replaces serine, which is neutral and polar, with leucine, which is neutral and non-polar, at codon 779 of the PALB2 protein (p.Ser779Leu). This variant is present in population databases (no rsID available, gnomAD 0.02%). This variant has not been reported in the literature in individuals affected with PALB2-related conditions. ClinVar contains an entry for this variant (Variation ID: 628628). Invitae Evidence Modeling of protein sequence and biophysical properties (such as structural, functional, and spatial information, amino acid conservation, physicochemical variation, residue mobility, and thermodynamic stability) indicates that this missense variant is not expected to disrupt PALB2 protein function with a negative predictive value of 80%. In summary, the available evidence is currently insufficient to determine the role of this variant in disease. Therefore, it has been classified as a Variant of Uncertain Significance.

Color Diagnostics, LLC DBA Color Health
Classification: Uncertain significance for Hereditary cancer-predisposing syndrome. Last evaluated: 2025-07-08. Review status: criteria provided, single submitter. Criteria: ACMG Guidelines, 2015. Collection method: clinical testing. Allele origin: germline.
Comment: This missense variant replaces serine with leucine at codon 779 of the PALB2 protein. Computational prediction suggests that this variant may not impact protein structure and function. To our knowledge, functional studies have not been reported for this variant. This variant has been detected in a breast cancer case-control meta-analysis in 1/60466 cases and 1/53461 unaffected individuals (PMID: 33471991Leiden Open Variation Database DB-ID PALB2_010909). This variant has been identified in 2/31400 chromosomes in the general population by the Genome Aggregation Database (gnomAD). The available evidence is insufficient to determine the role of this variant in disease conclusively. Therefore, this variant is classified as a Variant of Uncertain Significance.

Ambry Genetics
Classification: Likely benign for Hereditary cancer-predisposing syndrome. Last evaluated: 2024-03-28. Review status: criteria provided, single submitter. Criteria: Ambry Variant Classification Scheme 2023. Collection method: clinical testing. Allele origin: germline.

Fulgent Genetics
Classification: Uncertain significance for Familial cancer of breast; Fanconi anemia complementation group N; Pancreatic cancer, susceptibility to, 3. Last evaluated: 2021-11-23. Review status: criteria provided, single submitter. Criteria: ACMG Guidelines, 2015. Collection method: clinical testing. Allele origin: unknown.

Literature cited by the submitters: PubMed 33471991 (cited by Color Diagnostics, LLC DBA Color Health).